The following is an entry in ClinVar:

ClinVar aggregate classification (germline): Uncertain significance. Review status: criteria provided, multiple submitters, no conflicts (2 of 4 stars). 2 submissions from 2 submitters: Uncertain significance (2). Last evaluated 2025-11-03.

Conditions:
Inborn genetic diseases. Identifiers: MedGen C0950123, MeSH D030342.

Allele frequency attached by ClinVar (database versions not stated): gnomAD 0.00001; gnomAD exomes 0.00001; TOPMed 0.00003; ExAC 0.00002.
gnomAD v4.1: 16 of 1,613,420 alleles (0.00099%); highest among the groups gnomAD compares: Admixed American, 0.01%; no homozygotes.

Submissions (2):

Ambry Genetics
Classification: Uncertain significance for Inborn genetic diseases. Last evaluated: 2025-11-03. Review status: criteria provided, single submitter. Criteria: Ambry Variant Classification Scheme 2023. Collection method: clinical testing. Allele origin: germline.

Athena Diagnostics
Classification: Uncertain significance. Last evaluated: 2023-02-08. Review status: criteria provided, single submitter. Criteria: Athena Diagnostics Criteria. Collection method: clinical testing. Allele origin: unknown.
Comment: Available data are insufficient to determine the clinical significance of the variant at this time. The frequency of this variant in the general population is uninformative in assessment of its pathogenicity. Computational tools predict that this variant is not damaging.

NM_022464.5(SIL1):c.1358T>C (p.Val453Ala)

Gene: SIL1 (SIL1 nucleotide exchange factor; minus strand). Cytogenetic location: 5q31.2.
Variant type: single nucleotide variant.
Coding change: c.1358T>C on transcript NM_022464.5 (MANE Select); coding-DNA position 1358, T replaced by C.
Protein change: p.Val453Ala; replaces valine 453 with alanine.
Molecular consequence: missense variant.
Genome position (GRCh38, 1-based): chr5:138,947,145, A>G on the plus strand (T>C on the coding strand, the complement: SIL1 is on the minus strand). VCF-style: chr5-138947145-A-G. GRCh37 (hg19) VCF-style: chr5-138282834-A-G.
Other names: c.1358T>C, p.Val453Ala (NM_001037633.2); short protein forms V453A.
Identifiers: ClinVar variation 2522181 (VCV002522181.4), dbSNP rs751454866, ClinGen allele CA3432320.
Genomic context (GRCh38, chr5:138,947,145, plus strand): 5'-GCGGCATCCCAGTCCAGTCCTGGTGTGGGGCCTCATCTCAGCTCCTTCAGCAAGCTGTTG[A>G]CAGAGCCCAGCAGCTCCTGGAAGTAGCCCTCGTCCTCACCATCCTGCAGCTCCAGGCTGG-3'
Protein context (NP_071909.1, residues 443-461): EGYFQELLGS[Val453Ala]NSLLKELR